The following is an entry in ClinVar:

NM_002439.5(MSH3):c.1836_1845del (p.Glu612fs)

Gene: MSH3 (mutS homolog 3; plus strand). Cytogenetic location: 5q14.1.
Variant type: Deletion.
Coding change: c.1836_1845del on transcript NM_002439.5 (MANE Select); coding-DNA positions 1836 to 1845, 10 bases deleted (AAATCATCTA; older notation c.1836_1845delAAATCATCTA).
Protein change: p.Glu612fs; shifts the reading frame from glutamic acid 612.
Molecular consequence: frameshift variant.
Genome position (GRCh38, 1-based): chr5:80,761,618-80,761,627, AAATCATCTA deleted; deleting any 10 consecutive bases within chr5:80,761,617-80,761,627 gives the same sequence; the c. name uses the placement nearest the transcript's 3' end. VCF-style (leftmost placement, unchanged base first): chr5-80761616-GAAAATCATCT-G. GRCh37 (hg19) VCF-style: chr5-80057435-GAAAATCATCT-G.
Other names: c.1836_1845del10 (NM_002439.3); short protein forms E612fs.
Identifiers: ClinVar variation 2044633 (VCV002044633.5), dbSNP rs2546770048, ClinGen allele CA2580073535.

ClinVar aggregate classification (germline): Pathogenic. Review status: criteria provided, multiple submitters, no conflicts (2 of 4 stars). 2 submissions from 2 submitters: Pathogenic (2). Last evaluated 2023-12-09.

Conditions:
Hereditary cancer-predisposing syndrome. Also called: Neoplastic Syndromes, Hereditary; Hereditary Cancer Syndrome; Hereditary neoplastic syndrome; Tumor predisposition. Identifiers: Orphanet 140162, MedGen C0027672, MeSH D009386, MONDO:0015356.

Submissions (2):

Ambry Genetics
Classification: Pathogenic for Hereditary cancer-predisposing syndrome. Last evaluated: 2023-12-09. Review status: criteria provided, single submitter. Criteria: Ambry Variant Classification Scheme 2023. Collection method: clinical testing. Allele origin: germline.
Comment: The c.1836_1845del10 pathogenic mutation, located in coding exon 13 of the MSH3 gene, results from a deletion of 10 nucleotides at nucleotide positions 1836 to 1845, causing a translational frameshift with a predicted alternate stop codon (p.E612Dfs*7). This variant is considered to be rare based on population cohorts in the Genome Aggregation Database (gnomAD). This alteration is expected to result in loss of function by premature protein truncation or nonsense-mediated mRNA decay. As such, this alteration is interpreted as a disease-causing mutation.

Labcorp Genetics (formerly Invitae), Labcorp
Classification: Pathogenic. Last evaluated: 2021-12-17. Review status: criteria provided, single submitter. Criteria: Invitae Variant Classification Sherloc (09022015). Collection method: clinical testing. Allele origin: germline.
Comment: For these reasons, this variant has been classified as Pathogenic. This variant has not been reported in the literature in individuals affected with MSH3-related conditions. This variant is not present in population databases (gnomAD no frequency). This sequence change creates a premature translational stop signal (p.Glu612Aspfs*7) in the MSH3 gene. It is expected to result in an absent or disrupted protein product. Loss-of-function variants in MSH3 are known to be pathogenic (PMID: 27476653).

Literature cited by the submitters: PubMed 27476653 (cited by Labcorp Genetics (formerly Invitae), Labcorp).